The following is an entry in ClinVar:

ClinVar aggregate classification (germline): Uncertain significance (1 of 4 stars; one submission).

Allele frequency attached by ClinVar (database versions not stated): gnomAD exomes 0.00001; TOPMed 0.00002; ExAC 0.00003.
gnomAD v4.1: 14 of 1,606,930 alleles (0.00087%); highest among the groups gnomAD compares: Admixed American, 0.018%; no homozygotes.

Submission:

Labcorp Genetics (formerly Invitae), Labcorp
Classification: Uncertain significance. Last evaluated: 2021-12-24. Review status: criteria provided, single submitter. Criteria: Invitae Variant Classification Sherloc (09022015). Collection method: clinical testing. Allele origin: germline.
Comment: This sequence change replaces threonine, which is neutral and polar, with alanine, which is neutral and non-polar, at codon 2413 of the VPS13C protein (p.Thr2413Ala). This variant is present in population databases (rs772621192, gnomAD 0.03%). This variant has not been reported in the literature in individuals affected with VPS13C-related conditions. Algorithms developed to predict the effect of missense changes on protein structure and function are either unavailable or do not agree on the potential impact of this missense change (SIFT: "Tolerated"; PolyPhen-2: "Possibly Damaging"; Align-GVGD: "Class C0"). In summary, the available evidence is currently insufficient to determine the role of this variant in disease. Therefore, it has been classified as a Variant of Uncertain Significance.

NM_020821.3(VPS13C):c.7237A>G (p.Thr2413Ala)

Gene: VPS13C (vacuolar protein sorting 13 homolog C; minus strand). Cytogenetic location: 15q22.2.
Variant type: single nucleotide variant.
Coding change: c.7237A>G on transcript NM_020821.3 (MANE Select); coding-DNA position 7237, A replaced by G.
Protein change: p.Thr2413Ala; replaces threonine 2413 with alanine.
Molecular consequence: missense variant.
Genome position (GRCh38, 1-based): chr15:61,920,307, T>C on the plus strand (A>G on the coding strand, the complement: VPS13C is on the minus strand). VCF-style: chr15-61920307-T-C. GRCh37 (hg19) VCF-style: chr15-62212506-T-C.
Other names: c.7237A>G, p.Thr2413Ala (NM_001018088.3); c.7108A>G, p.Thr2370Ala (NM_017684.5, NM_018080.4); short protein forms T2370A, T2413A.
Identifiers: ClinVar variation 1952460 (VCV001952460.5), dbSNP rs772621192, ClinGen allele CA7595312.